The following is an entry in ClinVar:

ClinVar aggregate classification (germline): Uncertain significance (1 of 4 stars; one submission).

gnomAD v4.1: 8 of 1,614,064 alleles (0.0005%); highest among the groups gnomAD compares: Non-Finnish European, 0.00068%; no homozygotes.

Submission:

Ambry Genetics
Classification: Uncertain significance. Last evaluated: 2025-12-17. Review status: criteria provided, single submitter. Criteria: Ambry Variant Classification Scheme 2023. Collection method: clinical testing. Allele origin: germline.
Comment: The p.S449T variant (also known as c.1346G>C), located in coding exon 8 of the RNF43 gene, results from a G to C substitution at nucleotide position 1346. The serine at codon 449 is replaced by threonine, an amino acid with similar properties. This amino acid position is conserved. In addition, this alteration is predicted to be tolerated by in silico analysis. Based on the available evidence, the clinical significance of this variant remains unclear.

NM_017763.6(RNF43):c.1346G>C (p.Ser449Thr)

Gene: RNF43 (ring finger protein 43; minus strand). Cytogenetic location: 17q22.
Variant type: single nucleotide variant.
Coding change: c.1346G>C on transcript NM_017763.6 (MANE Select); coding-DNA position 1346, G replaced by C.
Protein change: p.Ser449Thr; replaces serine 449 with threonine.
Molecular consequence: missense variant.
Genome position (GRCh38, 1-based): chr17:58,358,430, C>G on the plus strand (G>C on the coding strand, the complement: RNF43 is on the minus strand). VCF-style: chr17-58358430-C-G. GRCh37 (hg19) VCF-style: chr17-56435791-C-G.
Other names: c.1346G>C, p.Ser449Thr (NM_001305544.3, NM_001438820.1, NM_001438821.1 and 1 more transcripts); c.965G>C, p.Ser322Thr (NM_001305545.2, NM_001437987.1); short protein forms S322T, S449T.
Identifiers: ClinVar variation 4841962 (VCV004841962.1).